The following is an entry in ClinVar:

NM_003937.3(KYNU):c.650T>C (p.Val217Ala)

Gene: KYNU (kynureninase; plus strand). Cytogenetic location: 2q22.2.
Variant type: single nucleotide variant.
Coding change: c.650T>C on transcript NM_003937.3 (MANE Select); coding-DNA position 650, T replaced by C.
Protein change: p.Val217Ala; replaces valine 217 with alanine.
Molecular consequence: missense variant.
Genome position (GRCh38, 1-based): chr2:142,960,691, T>C. VCF-style: chr2-142960691-T-C. GRCh37 (hg19) VCF-style: chr2-143718260-T-C.
Other names: c.650T>C, p.Val217Ala (NM_001032998.2, NM_001199241.2); short protein forms V217A.
Identifiers: ClinVar variation 3117212 (VCV003117212.2), dbSNP rs752277959, ClinGen allele CA1896786.

ClinVar aggregate classification (germline): Uncertain significance. Review status: criteria provided, multiple submitters, no conflicts (2 of 4 stars). 2 submissions from 2 submitters: Uncertain significance (2). Last evaluated 2024-03-08.

Allele frequency attached by ClinVar (database versions not stated): gnomAD exomes 0.00001; TOPMed 0.00001; gnomAD 0.00003; ExAC 0.00004.
gnomAD v4.1: 16 of 1,613,550 alleles (0.00099%); highest among the groups gnomAD compares: East Asian, 0.027%; no homozygotes.

Submissions (2):

GeneDx
Classification: Uncertain significance. Last evaluated: 2024-03-08. Review status: criteria provided, single submitter. Criteria: GeneDx Variant Classification Process June 2021. Collection method: clinical testing. Allele origin: germline. Affected: yes.
Comment: Has not been previously published as pathogenic or benign to our knowledge; In silico analysis supports that this missense variant has a deleterious effect on protein structure/function

Ambry Genetics
Classification: Uncertain significance. Last evaluated: 2023-12-28. Review status: criteria provided, single submitter. Criteria: Ambry Variant Classification Scheme 2023. Collection method: clinical testing. Allele origin: germline.